The following is an entry in ClinVar:

NM_000501.4(ELN):c.1415-21C>T

Genes: ELN (elastin; plus strand), ELN-AS1 (ELN antisense RNA 1; minus strand). Cytogenetic location: 7q11.23.
Variant type: single nucleotide variant.
Coding change: c.1415-21C>T on transcript NM_000501.4 (MANE Select); 21 bases into the intron before coding-DNA position 1415, C replaced by T.
Molecular consequence: intron variant. On other transcripts: non-coding transcript variant (1).
Genome position (GRCh38, 1-based): chr7:74,059,865, C>T. VCF-style: chr7-74059865-C-T. GRCh37 (hg19) VCF-style: chr7-73474195-C-T.
Other names: c.1430-21C>T (NM_001081754.3); c.1373-21C>T (NM_001081753.3); c.1502-21C>T (NM_001278939.2); c.1415-3C>T (NM_001278915.2); c.1415-21C>T (NM_001278912.2); c.1358-21C>T (NM_001081755.3); c.1316-21C>T (NM_001278916.2); c.1172-21C>T (NM_001278913.2); and 4 more.
Identifiers: ClinVar variation 3036768 (VCV003036768.2), dbSNP rs782325099, ClinGen allele CA4293051.

ClinVar aggregate classification (germline): Likely benign (0 of 4 stars; one submission).

Conditions:
ELN-related disorder.

Allele frequency attached by ClinVar (database versions not stated): ExAC 0.00001; gnomAD 0.00001; TOPMed 0.00001; gnomAD exomes 0.00004.
gnomAD v4.1: 33 of 1,047,738 alleles (0.0031%); highest among the groups gnomAD compares: Non-Finnish European, 0.005%; 1 homozygote.

Submission:

PreventionGenetics, part of Exact Sciences
Classification: Likely benign for ELN-related condition. Last evaluated: 2021-02-08. Review status: no assertion criteria provided. Collection method: clinical testing. Allele origin: germline.
Comment: This variant is classified as likely benign based on ACMG/AMP sequence variant interpretation guidelines (Richards et al. 2015 PMID: 25741868, with internal and published modifications).